The following is an entry in ClinVar:

ClinVar aggregate classification (germline): Likely pathogenic (1 of 4 stars; one submission).

Conditions:
Primary ciliary dyskinesia. Also called: Ciliary dyskinesia. Identifiers: Orphanet 244, MedGen C0008780, MONDO:0016575, HP:0012265.

gnomAD v4.1: 1 of 1,613,698 alleles (0.000062%); highest among the groups gnomAD compares: South Asian, 0.0011%; no homozygotes.

Submission:

Natera, Inc.
Classification: Likely pathogenic for Primary ciliary dyskinesia. Last evaluated: 2025-12-15. Review status: criteria provided, single submitter. Criteria: Natera Variant Classification Schema (03/2026). Collection method: clinical testing. Allele origin: germline.
Comment: The c.13724-2A>G variant in DNAH5 is a canonical splice acceptor site variant predicted to affect pre-mRNA splicing, which may result in an abnormal transcript and altered protein product. This variant may result in a truncated or dysfunctional protein product. This variant is rare in the general population with a frequency below the threshold expected for the associated phenotype(s). Another variant at this same site results in an alteration predicted to cause a similar molecular effect has been observed in individual(s) with the associated phenotype. Given the available evidence, this variant is classified as Likely Pathogenic.

NM_001369.3(DNAH5):c.13724-2A>G

Gene: DNAH5 (dynein axonemal heavy chain 5; minus strand). Cytogenetic location: 5p15.2.
Variant type: single nucleotide variant.
Coding change: c.13724-2A>G on transcript NM_001369.3 (MANE Select); the canonical splice acceptor site of the intron before coding-DNA position 13724, A replaced by G.
Molecular consequence: splice acceptor variant.
Genome position (GRCh38, 1-based): chr5:13,692,137, T>C on the plus strand (A>G on the coding strand, the complement: DNAH5 is on the minus strand). VCF-style: chr5-13692137-T-C. GRCh37 (hg19) VCF-style: chr5-13692246-T-C.
Identifiers: ClinVar variation 4814867 (VCV004814867.1).